The following is an entry in ClinVar:

NM_177438.3(DICER1):c.4607G>A (p.Gly1536Asp)

Gene: DICER1 (dicer 1, ribonuclease III; minus strand). Cytogenetic location: 14q32.13.
Variant type: single nucleotide variant.
Coding change: c.4607G>A on transcript NM_177438.3 (MANE Select); coding-DNA position 4607, G replaced by A.
Protein change: p.Gly1536Asp; replaces glycine 1536 with aspartic acid.
Molecular consequence: missense variant.
Genome position (GRCh38, 1-based): chr14:95,096,313, C>T on the plus strand (G>A on the coding strand, the complement: DICER1 is on the minus strand). VCF-style: chr14-95096313-C-T. GRCh37 (hg19) VCF-style: chr14-95562650-C-T.
Other names: c.4607G>A, p.Gly1536Asp (NM_001195573.1, NM_001271282.3, NM_001291628.2 and 1 more transcripts); short protein forms G1536D.
Identifiers: ClinVar variation 649869 (VCV000649869.14), dbSNP rs1486849070, ClinGen allele CA390867700.

ClinVar aggregate classification (germline): Uncertain significance. Review status: criteria provided, multiple submitters, no conflicts (2 of 4 stars). 2 submissions from 2 submitters: Uncertain significance (2). Last evaluated 2026-01-18.

Conditions:
Hereditary cancer-predisposing syndrome. Also called: Hereditary Cancer Syndrome; Tumor predisposition; Neoplastic Syndromes, Hereditary; Hereditary neoplastic syndrome. Identifiers: Orphanet 140162, MedGen C0027672, MeSH D009386, MONDO:0015356.
DICER1-related tumor predisposition. Also called: DICER1-related pleuropulmonary blastoma cancer predisposition syndrome; DICER1 syndrome. Identifiers: Orphanet 284343, MedGen C3839822, MONDO:0100216.

Allele frequency attached by ClinVar (database versions not stated): gnomAD exomes below 0.00001.
gnomAD v4.1: 1 of 1,614,202 alleles (0.000062%); highest among the groups gnomAD compares: East Asian, 0.0022%; no homozygotes.

Submissions (2):

Labcorp Genetics (formerly Invitae), Labcorp
Classification: Uncertain significance for DICER1-related tumor predisposition. Last evaluated: 2026-01-18. Review status: criteria provided, single submitter. Criteria: Invitae Variant Classification Sherloc (09022015). Collection method: clinical testing. Allele origin: germline.
Comment: This sequence change replaces glycine, which is neutral and non-polar, with aspartic acid, which is acidic and polar, at codon 1536 of the DICER1 protein (p.Gly1536Asp). This variant is present in population databases (no rsID available, gnomAD 0.006%). This variant has not been reported in the literature in individuals affected with DICER1-related conditions. ClinVar contains an entry for this variant (Variation ID: 649869). Invitae Evidence Modeling of protein sequence and biophysical properties (such as structural, functional, and spatial information, amino acid conservation, physicochemical variation, residue mobility, and thermodynamic stability) indicates that this missense variant is not expected to disrupt DICER1 protein function with a negative predictive value of 95%. In summary, the available evidence is currently insufficient to determine the role of this variant in disease. Therefore, it has been classified as a Variant of Uncertain Significance.

Ambry Genetics
Classification: Uncertain significance for Hereditary cancer-predisposing syndrome. Last evaluated: 2023-05-24. Review status: criteria provided, single submitter. Criteria: Ambry Variant Classification Scheme 2023. Collection method: clinical testing. Allele origin: germline.
Comment: The p.G1536D variant (also known as c.4607G>A), located in coding exon 22 of the DICER1 gene, results from a G to A substitution at nucleotide position 4607. The glycine at codon 1536 is replaced by aspartic acid, an amino acid with similar properties. This amino acid position is highly conserved in available vertebrate species. In addition, this alteration is predicted to be deleterious by in silico analysis. Since supporting evidence is limited at this time, the clinical significance of this alteration remains unclear.